The following is an entry in ClinVar:

ClinVar aggregate classification (germline): Pathogenic (1 of 4 stars; one submission).

Conditions:
Retinal dystrophy. Also called: Inherited retinal dystrophy. Identifiers: Orphanet 71862, MedGen C0854723, MeSH D058499, MONDO:0019118, HP:0000556.

Submission:

Ophthalmic Genetics Group, Institute of Molecular and Clinical Ophthalmology Basel
Classification: Pathogenic for Retinal dystrophy. Last evaluated: 2024-05-27. Review status: criteria provided, single submitter. Criteria: ACMG Guidelines, 2015. Collection method: research. Allele origin: germline. Affected: yes. Observed: 2 variant alleles.
Comment: This variant was classified as Pathogenic based on ACMG criteria: PVS1_very strong PM2_sup and PP1_strong

Literature cited by the submitters: PubMed 40180963.

NM_201253.3(CRB1):c.266del (p.Pro89fs)

Gene: CRB1 (crumbs cell polarity complex component 1; plus strand). Cytogenetic location: 1q31.3.
Variant type: Deletion.
Coding change: c.266del on transcript NM_201253.3 (MANE Select); coding-DNA position 266, one base deleted (C; older notation c.266delC).
Protein change: p.Pro89fs; shifts the reading frame from proline 89.
Molecular consequence: frameshift variant. On other transcripts: non-coding transcript variant (2).
Genome position (GRCh38, 1-based): chr1:197,328,617, C deleted; the last of 4 consecutive C bases (chr1:197,328,614-197,328,617); deleting any one gives the same sequence. VCF-style (leftmost placement, unchanged base first): chr1-197328613-AC-A. GRCh37 (hg19) VCF-style: chr1-197297743-AC-A.
Other names: NC_000001.10:g.197297747del; NP_957705.1:p.(Pro89GlnfsTer59); c.266del, p.Pro89fs (NM_001193640.2, NM_001257966.2); c.59del, p.Pro20fs (NM_001257965.2); short protein forms P20fs, P89fs.
Identifiers: ClinVar variation 3381788 (VCV003381788.2).